The following is an entry in ClinVar:

ClinVar aggregate classification (germline): Likely benign (0 of 4 stars; one submission).

Conditions:
GAMT-related disorder. Also called: GAMT-related condition.

Allele frequency attached by ClinVar (database versions not stated): TOPMed 0.00005; gnomAD 0.00007; gnomAD exomes 0.00014; 1000 Genomes Project 30x 0.00047; 1000 Genomes Project 0.00060; ExAC 0.00064.

Submission:

PreventionGenetics, part of Exact Sciences
Classification: Likely benign for GAMT-related condition. Last evaluated: 2022-03-21. Review status: no assertion criteria provided. Collection method: clinical testing. Allele origin: germline.
Comment: This variant is classified as likely benign based on ACMG/AMP sequence variant interpretation guidelines (Richards et al. 2015 PMID: 25741868, with internal and published modifications).

NM_000156.6(GAMT):c.570+221G>A

Gene: GAMT (guanidinoacetate N-methyltransferase; minus strand). Cytogenetic location: 19p13.3.
Variant type: single nucleotide variant.
Coding change: c.570+221G>A on transcript NM_000156.6 (MANE Select); 221 bases into the intron after coding-DNA position 570, G replaced by A.
Molecular consequence: intron variant. On other transcripts: missense variant (1).
Genome position (GRCh38, 1-based): chr19:1,398,695, C>T on the plus strand (G>A on the coding strand, the complement: GAMT is on the minus strand). VCF-style: chr19-1398695-C-T. GRCh37 (hg19) VCF-style: chr19-1398694-C-T.
Other names: c.791G>A, p.Arg264Gln (NM_138924.3); short protein forms R264Q.
Identifiers: ClinVar variation 3051148 (VCV003051148.2), dbSNP rs552947620, ClinGen allele CA9043581.